The following is an entry in ClinVar:

NM_000722.4(CACNA2D1):c.1667G>A (p.Arg556Gln)

Gene: CACNA2D1 (calcium voltage-gated channel auxiliary subunit alpha2delta 1; minus strand). Cytogenetic location: 7q21.11.
Variant type: single nucleotide variant.
Coding change: c.1667G>A on transcript NM_000722.4 (MANE Select); coding-DNA position 1667, G replaced by A.
Protein change: p.Arg556Gln; replaces arginine 556 with glutamine.
Molecular consequence: missense variant.
Genome position (GRCh38, 1-based): chr7:81,994,935, C>T on the plus strand (G>A on the coding strand, the complement: CACNA2D1 is on the minus strand). VCF-style: chr7-81994935-C-T. GRCh37 (hg19) VCF-style: chr7-81624251-C-T.
Other names: c.1724G>A, p.Arg575Gln (NM_001366867.1); short protein forms R575Q, R556Q.
Identifiers: ClinVar variation 661714 (VCV000661714.8), dbSNP rs1584331322, ClinGen allele CA367876823.

ClinVar aggregate classification (germline): Uncertain significance (1 of 4 stars; one submission).

Conditions:
Brugada syndrome. Also called: Sudden unexpected nocturnal death syndrome; Sudden unexplained nocturnal death syndrome; Sudden Unexplained Death Syndrome; Sudden Unexplained Nocturnal Death Syndrome (SUNDS). Identifiers: Orphanet 130, MedGen C1142166, MONDO:0015263.

Allele frequency attached by ClinVar (database versions not stated): gnomAD exomes below 0.00001.
gnomAD v4.1: 2 of 1,511,372 alleles (0.00013%); highest among the groups gnomAD compares: South Asian, 0.0011%; no homozygotes.

Submission:

Labcorp Genetics (formerly Invitae), Labcorp
Classification: Uncertain significance for Brugada syndrome. Last evaluated: 2018-07-05. Review status: criteria provided, single submitter. Criteria: Invitae Variant Classification Sherloc (09022015). Collection method: clinical testing. Allele origin: germline.
Comment: In summary, the available evidence is currently insufficient to determine the role of this variant in disease. Therefore, it has been classified as a Variant of Uncertain Significance. Algorithms developed to predict the effect of missense changes on protein structure and function are either unavailable or do not agree on the potential impact of this missense change (SIFT: "Tolerated"; PolyPhen-2: "Probably Damaging"; Align-GVGD: "Class C0"). This variant has not been reported in the literature in individuals with CACNA2D1-related disease. This variant is not present in population databases (ExAC no frequency). This sequence change replaces arginine with glutamine at codon 556 of the CACNA2D1 protein (p.Arg556Gln). The arginine residue is highly conserved and there is a small physicochemical difference between arginine and glutamine.